The following is an entry in ClinVar:

ClinVar aggregate classification (germline): Pathogenic (1 of 4 stars; one submission).

Submission:

Labcorp Genetics (formerly Invitae), Labcorp
Classification: Pathogenic. Last evaluated: 2023-03-08. Review status: criteria provided, single submitter. Criteria: Invitae Variant Classification Sherloc (09022015). Collection method: clinical testing. Allele origin: unknown.
Comment: For these reasons, this variant has been classified as Pathogenic. This variant has not been reported in the literature in individuals affected with PIGB-related conditions. This variant is a gross deletion of the genomic region encompassing exon(s) 1-5 of the PIGB gene, which includes the initiator codon. This deletion extends beyond the assayed region for this gene and therefore may encompass additional genes. It is expected to result in an absent or disrupted protein product. Loss-of-function variants in PIGB are known to be pathogenic (PMID: 31256876, 34400385).

Literature cited by the submitters: PubMed 31256876; PubMed 34400385.

NC_000015.9:g.(?_55611449)_(55622072_?)del

Gene: PIGB (phosphatidylinositol glycan anchor biosynthesis class B; plus strand). Cytogenetic location: 15q21.3.
Variant type: Deletion.
Identifiers: ClinVar variation 3243874 (VCV003243874.1).